The following is an entry in ClinVar:

NM_001384732.1(CPLANE1):c.2490_2494del (p.Lys830fs)

Gene: CPLANE1 (ciliogenesis and planar polarity effector complex subunit 1; minus strand). Cytogenetic location: 5p13.2.
Variant type: Deletion.
Coding change: c.2490_2494del on transcript NM_001384732.1 (MANE Select); coding-DNA positions 2490 to 2494, 5 bases deleted (ATCTA; older notation c.2490_2494delATCTA).
Protein change: p.Lys830fs; shifts the reading frame from lysine 830.
Molecular consequence: frameshift variant.
Genome position (GRCh38, 1-based): chr5:37,224,538-37,224,542, TAGAT deleted on the plus strand (ATCTA on the coding strand, the reverse complement: CPLANE1 is on the minus strand); deleting any 5 consecutive bases within chr5:37,224,538-37,224,543 gives the same sequence; the c. name uses the placement nearest the transcript's 3' end. VCF-style (leftmost placement, unchanged base first): chr5-37224537-ATAGAT-A. GRCh37 (hg19) VCF-style: chr5-37224639-ATAGAT-A.
Other names: c.2490_2494del (NM_023073.3); c.2490_2494del, p.Lys830fs (NM_023073.4); short protein forms K830fs.
Identifiers: ClinVar variation 2445748 (VCV002445748.2), dbSNP rs926409425, ClinGen allele CA117055679.

ClinVar aggregate classification (germline): Likely pathogenic. Review status: criteria provided, multiple submitters, no conflicts (2 of 4 stars). 2 submissions from 2 submitters: Likely pathogenic (2). Last evaluated 2024-05-24.

Conditions:
Orofaciodigital syndrome type 6 (OFD6). Also called: Oral-facial-digital syndrome type 6; Central polydactyly cleft lip/palate or lingual lump and psychomotor retardation; Y-shaped central metacarpal and cerebellar defect; Joubert syndrome with orofacialdigital anomalies; OROFACIODIGITAL SYNDROME VI; OFDS VI. Identifiers: Orphanet 2754, MedGen C2745997, MONDO:0010176, OMIM 277170.
Joubert syndrome 17 (JBTS17). Identifiers: Orphanet 475, MedGen C3553264, MONDO:0013824, OMIM 614615.
Joubert syndrome and related disorders. Identifiers: Orphanet 140874, MedGen C5679612, MONDO:0015369.

Submissions (2):

Fulgent Genetics
Classification: Likely pathogenic for Orofaciodigital syndrome type 6; Joubert syndrome 17. Last evaluated: 2024-05-24. Review status: criteria provided, single submitter. Criteria: ACMG Guidelines, 2015. Collection method: clinical testing. Allele origin: germline.

Women's Health and Genetics/Laboratory Corporation of America, LabCorp
Classification: Likely pathogenic for Joubert syndrome and related disorders. Last evaluated: 2023-02-07. Review status: criteria provided, single submitter. Criteria: LabCorp Variant Classification Summary - May 2015. Collection method: clinical testing. Allele origin: germline.
Comment: Variant summary: CPLANE1 c.2490_2494delATCTA (p.Lys830AsnfsX13) results in a premature termination codon, predicted to cause a truncation of the encoded protein or absence of the protein due to nonsense mediated decay, which are commonly known mechanisms for disease. Truncations downstream of this position have been reported in individuals affected with Joubert syndrome (HGMD). The variant was absent in 156046 control chromosomes (gnomAD). To our knowledge, no occurrence of c.2490_2494delATCTA in individuals affected with Joubert Syndrome And Related Disorders and no experimental evidence demonstrating its impact on protein function have been reported. No submitters have provided clinical-significance assessments for this variant to ClinVar after 2014. Based on the evidence outlined above, the variant was classified as likely pathogenic.